The following is an entry in ClinVar:

NM_001286577.2(C2CD3):c.3142C>G (p.Pro1048Ala)

Gene: C2CD3 (C2 domain containing 3 centriole elongation regulator; minus strand). Cytogenetic location: 11q13.4.
Variant type: single nucleotide variant.
Coding change: c.3142C>G on transcript NM_001286577.2 (MANE Select); coding-DNA position 3142, C replaced by G.
Protein change: p.Pro1048Ala; replaces proline 1048 with alanine.
Molecular consequence: missense variant.
Genome position (GRCh38, 1-based): chr11:74,095,246, G>C on the plus strand (C>G on the coding strand, the complement: C2CD3 is on the minus strand). VCF-style: chr11-74095246-G-C. GRCh37 (hg19) VCF-style: chr11-73806291-G-C.
Other names: c.3142C>G (NM_015531.5, NM_015531.4); c.3142C>G, p.Pro1048Ala (NM_015531.6); short protein forms P1048A.
Identifiers: ClinVar variation 1582032 (VCV001582032.12), dbSNP rs149734938, ClinGen allele CA6182484.

ClinVar aggregate classification (germline): Conflicting classifications of pathogenicity. Review status: criteria provided, conflicting classifications (1 of 4 stars). 4 submissions from 4 submitters: Uncertain significance (1); Likely benign (2). 1 of the submissions does not count toward it. Last evaluated 2025-09-03.

Conditions:
C2CD3-related disorder. Also called: C2CD3-related condition.
Inborn genetic diseases. Identifiers: MedGen C0950123, MeSH D030342.

Allele frequency attached by ClinVar (database versions not stated): gnomAD exomes 0.00019; 1000 Genomes Project 0.00020; ExAC 0.00021; 1000 Genomes Project 30x 0.00031; TOPMed 0.00071; gnomAD 0.00088 and 0.00093; ESP Exome Variant Server 0.00092.
gnomAD v4.1: 229 of 1,611,696 alleles (0.014%); highest among the groups gnomAD compares: African/African-American, 0.27%; 1 homozygote.

Submissions (4):

Labcorp Genetics (formerly Invitae), Labcorp
Classification: Likely benign. Last evaluated: 2025-09-03. Review status: criteria provided, single submitter. Criteria: Invitae Variant Classification Sherloc (09022015). Collection method: clinical testing. Allele origin: germline.

GeneDx
Classification: Uncertain significance. Last evaluated: 2024-12-13. Review status: criteria provided, single submitter. Criteria: GeneDx Variant Classification Process June 2021. Collection method: clinical testing. Allele origin: germline. Affected: yes.
Comment: In silico analysis indicates that this missense variant does not alter protein structure/function; Has not been previously published as pathogenic or benign to our knowledge

Ambry Genetics
Classification: Likely benign for Inborn genetic diseases. Last evaluated: 2024-11-11. Review status: criteria provided, single submitter. Criteria: Ambry Variant Classification Scheme 2023. Collection method: clinical testing. Allele origin: germline.

PreventionGenetics, part of Exact Sciences
Classification: Likely benign for C2CD3-related condition. Last evaluated: 2023-03-07. Review status: no assertion criteria provided. Collection method: clinical testing. Allele origin: germline. Not counted in ClinVar's aggregate classification.
Comment: This variant is classified as likely benign based on ACMG/AMP sequence variant interpretation guidelines (Richards et al. 2015 PMID: 25741868, with internal and published modifications).